The following is an entry in ClinVar:

ClinVar aggregate classification (germline): Pathogenic (1 of 4 stars; one submission).

Conditions:
Purine-nucleoside phosphorylase deficiency. Also called: NUCLEOSIDE PHOSPHORYLASE DEFICIENCY; Immunodeficiency due to purine nucleoside phosphorylase deficiency. Identifiers: Orphanet 760, MedGen C0268125, MONDO:0013171, OMIM 613179.

Submission:

Labcorp Genetics (formerly Invitae), Labcorp
Classification: Pathogenic for Purine-nucleoside phosphorylase deficiency. Last evaluated: 2020-10-19. Review status: criteria provided, single submitter. Criteria: Invitae Variant Classification Sherloc (09022015). Collection method: clinical testing. Allele origin: germline.
Comment: For these reasons, this variant has been classified as Pathogenic. This variant has not been reported in the literature in individuals with PNP-related conditions. This variant is not present in population databases (ExAC no frequency). This sequence change creates a premature translational stop signal (p.Glu183Glyfs*4) in the PNP gene. It is expected to result in an absent or disrupted protein product. Loss-of-function variants in PNP are known to be pathogenic (PMID: 24767876).

Literature cited by the submitters: PubMed 24767876.

NM_000270.4(PNP):c.547dup (p.Glu183fs)

Gene: PNP (purine nucleoside phosphorylase; plus strand). Cytogenetic location: 14q11.2.
Variant type: Duplication.
Coding change: c.547dup on transcript NM_000270.4 (MANE Select); coding-DNA position 547, one base duplicated (G; older notation c.547dupG).
Protein change: p.Glu183fs; shifts the reading frame from glutamic acid 183.
Molecular consequence: frameshift variant.
Genome position (GRCh38, 1-based): chr14:20,475,147, G duplicated; the last of 5 consecutive G bases (chr14:20,475,143-20,475,147); duplicating any one gives the same sequence. VCF-style (leftmost placement, unchanged base first): chr14-20475142-T-TG. GRCh37 (hg19) VCF-style: chr14-20943301-T-TG.
Other names: short protein forms E183fs.
Identifiers: ClinVar variation 1074418 (VCV001074418.7), dbSNP rs2139338450, ClinGen allele CA2499222551.